The following is an entry in ClinVar:

ClinVar aggregate classification (germline): Uncertain significance (1 of 4 stars; one submission).

Submission:

Ambry Genetics
Classification: Uncertain significance. Last evaluated: 2026-04-12. Review status: criteria provided, single submitter. Criteria: Ambry Variant Classification Scheme 2023. Collection method: clinical testing. Allele origin: germline.
Comment: The p.D121E variant (also known as c.363C>G), located in coding exon 1 of the CDK12 gene, results from a C to G substitution at nucleotide position 363. The aspartic acid at codon 121 is replaced by glutamic acid, an amino acid with highly similar properties. This amino acid position is conserved. In addition, this alteration is predicted to be tolerated by in silico analysis. Based on the available evidence, the clinical significance of this variant remains unclear.

NM_016507.4(CDK12):c.363C>G (p.Asp121Glu)

Genes: CDK12 (cyclin dependent kinase 12; plus strand), LOC126862553 (CDK7 strongly-dependent group 2 enhancer GRCh37_chr17:37618166-37619365; plus strand). Cytogenetic location: 17q12.
Variant type: single nucleotide variant.
Coding change: c.363C>G on transcript NM_016507.4 (MANE Select); coding-DNA position 363, C replaced by G.
Protein change: p.Asp121Glu; replaces aspartic acid 121 with glutamic acid.
Molecular consequence: missense variant.
Genome position (GRCh38, 1-based): chr17:39,462,434, C>G. VCF-style: chr17-39462434-C-G. GRCh37 (hg19) VCF-style: chr17-37618687-C-G.
Other names: c.363C>G, p.Asp121Glu (NM_015083.4); short protein forms D121E.
Identifiers: ClinVar variation 4868486 (VCV004868486.1).
Genomic context (GRCh38, chr17:39,462,434, plus strand): 5'-ATCAGATCGGAGCGACCGCCTGCACAAACATCGTCACCACCAGCACAGGCGTTCCCGGGA[C>G]TTACTAAAAGCTAAACAGACCGAAAAAGAAAAAAGCCAAGAAGTCTCCAGCAAGTCGGGA-3'
Protein context (NP_057591.2, residues 111-131): HRHHQHRRSR[Asp121Glu]LLKAKQTEKE